The following is an entry in ClinVar:

ClinVar aggregate classification (germline): Likely benign (0 of 4 stars; one submission).

Conditions:
Breast-ovarian cancer, familial, susceptibility to, 2 (BROVCA2). Also called: BRCA2 Hereditary Breast and Ovarian Cancer. Identifiers: Orphanet 145, MedGen C2675520, MONDO:0012933, OMIM 612555. Disease mechanism: loss of function.

Submission:

Department of Medical and Surgical Sciences, University of Bologna
Classification: Likely benign for Breast-ovarian cancer, familial, susceptibility to, 2. Last evaluated: 2023-09-01. Review status: no assertion criteria provided. Collection method: clinical testing. Allele origin: germline. Affected: yes.
Comment: BP1(Strong) according to ACMG/AMP classification guidelines specified for BRCA1 & BRCA2 (Classification Criteria V1.0.0 2023-09-08) (PMID: 38160042)

NM_000059.4(BRCA2):c.5731G>C (p.Asp1911His)

Gene: BRCA2 (BRCA2 DNA repair associated; plus strand). Cytogenetic location: 13q13.1.
Variant type: single nucleotide variant.
Coding change: c.5731G>C on transcript NM_000059.4 (MANE Select); coding-DNA position 5731, G replaced by C.
Protein change: p.Asp1911His; replaces aspartic acid 1911 with histidine.
Molecular consequence: missense variant. On other transcripts: non-coding transcript variant (1), intron variant (2).
Genome position (GRCh38, 1-based): chr13:32,340,086, G>C. VCF-style: chr13-32340086-G-C. GRCh37 (hg19) VCF-style: chr13-32914223-G-C.
Other names: c.5731G>C, p.Asp1911His (NM_001406719.1, NM_001406720.1); c.1910-4472G>C (NM_001406721.1); c.425-4472G>C (NM_001406722.1); short protein forms D1911H.
Identifiers: ClinVar variation 2683823 (VCV002683823.1), dbSNP rs2072537137, ClinGen allele CA387786913.